The following is an entry in ClinVar:

NM_001369268.1(ACAN):c.1658dup (p.Gly554fs)

Gene: ACAN (aggrecan; plus strand). Cytogenetic location: 15q26.1.
Variant type: Duplication.
Coding change: c.1658dup on transcript NM_001369268.1 (MANE Select); coding-DNA position 1658, one base duplicated (C; older notation c.1658dupC).
Protein change: p.Gly554fs; shifts the reading frame from glycine 554.
Molecular consequence: frameshift variant.
Genome position (GRCh38, 1-based): chr15:88,847,964, C duplicated; the last of 3 consecutive C bases (chr15:88,847,962-88,847,964); duplicating any one gives the same sequence. VCF-style (leftmost placement, unchanged base first): chr15-88847961-G-GC. GRCh37 (hg19) VCF-style: chr15-89391192-G-GC.
Other names: c.1658dup, p.Gly554fs (NM_001135.4, NM_013227.4); short protein forms G554fs.
Identifiers: ClinVar variation 1683567 (VCV001683567.2), dbSNP rs2141587447, ClinGen allele CA2573151316.

ClinVar aggregate classification (germline): Likely pathogenic (1 of 4 stars; one submission).

Conditions:
Short stature and advanced bone age, with or without early-onset osteoarthritis and/or osteochondritis dissecans (SSOAOD). Identifiers: Orphanet 251262, MedGen C3665488, MONDO:0100462, OMIM 165800.

Submission:

Laboratorio de Genetica e Diagnostico Molecular, Hospital Israelita Albert Einstein
Classification: Likely pathogenic for Short stature and advanced bone age, with or without early-onset osteoarthritis and/or osteochondritis dissecans. Last evaluated: 2022-01-26. Review status: criteria provided, single submitter. Criteria: ACMG Guidelines, 2015. Collection method: clinical testing. Allele origin: germline. Affected: yes.
Comment: ACMG classification criteria: PVS1 very strong, PM2 moderate